The following is an entry in ClinVar:

ClinVar aggregate classification (germline): Likely pathogenic. Review status: criteria provided, multiple submitters, no conflicts (2 of 4 stars). 2 submissions from 2 submitters: Likely pathogenic (2). Last evaluated 2026-03-17.

Conditions:
Cardiofaciocutaneous syndrome 3 (CFC3). Also called: MAP2K1-Related Cardiofaciocutaneous Syndrome. Identifiers: Orphanet 1340, MedGen C3809006, MONDO:0014113, OMIM 615279.

Submissions (2):

GeneDx
Classification: Likely pathogenic. Last evaluated: 2026-03-17. Review status: criteria provided, single submitter. Criteria: GeneDx Variant Classification Process June 2021. Collection method: clinical testing. Allele origin: germline.
Comment: Not observed at significant frequency in large population cohorts (gnomAD); Missense variants in this gene are a common cause of disease and they are underrepresented in the general population; In silico analysis supports that this missense variant has a deleterious effect on protein structure/function; Has not been previously reported as a pathogenic or benign germline variant to our knowledge; This variant is associated with the following publications: (PMID: 19156172, 22177953, 22753777, 25370473, 26399658, 29493581, 36198031, 34199654, 25600339, 36765910, 36153311, 36230686, 30109180, 36442478, 23614898, 19915144, 25297634, 34741628, 33151472, 34058070)

3billion
Classification: Likely pathogenic for Cardiofaciocutaneous syndrome 3. Last evaluated: 2024-08-30. Review status: criteria provided, single submitter. Criteria: ACMG Guidelines, 2015. Collection method: clinical testing. Allele origin: germline. Affected: yes.
Comment: The variant is not observed in the gnomAD v4.0.0 dataset. Predicted Consequence/Location: The variant is located in a mutational hot spot and/or well-established functional domain in which established pathogenic variants have been reported (PMID: 29493581). Missense changes are a common disease-causing mechanism. In silico tool predictions suggest damaging effect of the variant on gene or gene product [REVEL: 0.61 (>=0.6, sensitivity 0.68 and specificity 0.92); 3Cnet: 0.96 (>=0.6, sensitivity 0.72 and precision 0.9)]. The same nucleotide change resulting in the same amino acid change has been previously reported to be associated with MAP2K1 related disorder (ClinVar ID: VCV000376175 /3billion dataset). Therefore, this variant is classified as Likely pathogenic according to the recommendation of ACMG/AMP guideline.

NM_002755.4(MAP2K1):c.385T>C (p.Phe129Leu)

Gene: MAP2K1 (mitogen-activated protein kinase kinase 1; plus strand). Cytogenetic location: 15q22.31.
Variant type: single nucleotide variant.
Coding change: c.385T>C on transcript NM_002755.4 (MANE Select); coding-DNA position 385, T replaced by C.
Protein change: p.Phe129Leu; replaces phenylalanine 129 with leucine.
Molecular consequence: missense variant.
Genome position (GRCh38, 1-based): chr15:66,436,839, T>C. VCF-style: chr15-66436839-T-C. GRCh37 (hg19) VCF-style: chr15-66729177-T-C.
Other names: c.385T>C (NM_002755.3); short protein forms F129L.
Identifiers: ClinVar variation 3775508 (VCV003775508.3), dbSNP rs1057519805.
Genomic context (GRCh38, chr15:66,436,839, plus strand): 5'-AACCAGATCATAAGGGAGCTGCAGGTTCTGCATGAGTGCAACTCTCCGTACATCGTGGGC[T>C]TCTATGGTGCGTTCTACAGCGATGGCGAGATCAGTATCTGCATGGAGCACATGGTATGTG-3'
Protein context (NP_002746.1, residues 119-139): HECNSPYIVG[Phe129Leu]YGAFYSDGEI